The following is an entry in ClinVar:

ClinVar aggregate classification (germline): Uncertain significance. Review status: criteria provided, multiple submitters, no conflicts (2 of 4 stars). 2 submissions from 2 submitters: Uncertain significance (2). Last evaluated 2024-08-20.

Conditions:
Inborn genetic diseases. Identifiers: MedGen C0950123, MeSH D030342.

Allele frequency attached by ClinVar (database versions not stated): gnomAD exomes 0.00001; ExAC 0.00002; gnomAD 0.00005; TOPMed 0.00007; ESP Exome Variant Server 0.00023.
gnomAD v4.1: 18 of 1,602,810 alleles (0.0011%); highest among the groups gnomAD compares: African/African-American, 0.02%; no homozygotes.

Submissions (2):

Ambry Genetics
Classification: Uncertain significance for Inborn genetic diseases. Last evaluated: 2024-08-20. Review status: criteria provided, single submitter. Criteria: Ambry Variant Classification Scheme 2023. Collection method: clinical testing. Allele origin: germline.

Labcorp Genetics (formerly Invitae), Labcorp
Classification: Uncertain significance. Last evaluated: 2022-03-14. Review status: criteria provided, single submitter. Criteria: Invitae Variant Classification Sherloc (09022015). Collection method: clinical testing. Allele origin: germline.
Comment: In summary, the available evidence is currently insufficient to determine the role of this variant in disease. Therefore, it has been classified as a Variant of Uncertain Significance. Algorithms developed to predict the effect of missense changes on protein structure and function (SIFT, PolyPhen-2, Align-GVGD) all suggest that this variant is likely to be tolerated. This variant has not been reported in the literature in individuals affected with FARSB-related conditions. This variant is present in population databases (rs147949654, gnomAD 0.03%). This sequence change replaces glutamic acid, which is acidic and polar, with aspartic acid, which is acidic and polar, at codon 26 of the FARSB protein (p.Glu26Asp).

NM_005687.5(FARSB):c.78A>T (p.Glu26Asp)

Gene: FARSB (phenylalanyl-tRNA synthetase subunit beta; minus strand). Cytogenetic location: 2q36.1.
Variant type: single nucleotide variant.
Coding change: c.78A>T on transcript NM_005687.5 (MANE Select); coding-DNA position 78, A replaced by T.
Protein change: p.Glu26Asp; replaces glutamic acid 26 with aspartic acid.
Molecular consequence: missense variant. On other transcripts: non-coding transcript variant (1).
Genome position (GRCh38, 1-based): chr2:222,648,776, T>A on the plus strand (A>T on the coding strand, the complement: FARSB is on the minus strand). VCF-style: chr2-222648776-T-A. GRCh37 (hg19) VCF-style: chr2-223513495-T-A.
Other names: c.78A>T (NM_005687.3); short protein forms E26D.
Identifiers: ClinVar variation 2048469 (VCV002048469.3), dbSNP rs147949654, ClinGen allele CA2136764.
Genomic context (GRCh38, chr2:222,648,776, plus strand): 5'-AATAGACAAATATCCAATACATACAATTTCATCAAGCTCCAGACCAAATTCAAAACATAG[T>A]TCATCAAATTCTTCGTCAGCTAGGAAAATAAAAAAGGAGATGGTTAATTTCACTCTGTTC-3'
Protein context (NP_005678.3, residues 16-36): GRTYTDEEFD[Glu26Asp]LCFEFGLELD